The following is an entry in ClinVar:

ClinVar aggregate classification (germline): Uncertain significance (1 of 4 stars; one submission).

Allele frequency attached by ClinVar (database versions not stated): ExAC 0.00008.

Submission:

Labcorp Genetics (formerly Invitae), Labcorp
Classification: Uncertain significance. Last evaluated: 2024-11-11. Review status: criteria provided, single submitter. Criteria: Invitae Variant Classification Sherloc (09022015). Collection method: clinical testing. Allele origin: germline.
Comment: This sequence change replaces threonine, which is neutral and polar, with asparagine, which is neutral and polar, at codon 557 of the ATP6V1A protein (p.Thr557Asn). This variant is not present in population databases (gnomAD no frequency). This variant has not been reported in the literature in individuals affected with ATP6V1A-related conditions. ClinVar contains an entry for this variant (Variation ID: 2114625). Invitae Evidence Modeling of protein sequence and biophysical properties (such as structural, functional, and spatial information, amino acid conservation, physicochemical variation, residue mobility, and thermodynamic stability) indicates that this missense variant is not expected to disrupt ATP6V1A protein function with a negative predictive value of 80%. In summary, the available evidence is currently insufficient to determine the role of this variant in disease. Therefore, it has been classified as a Variant of Uncertain Significance.

NM_001690.4(ATP6V1A):c.1670C>A (p.Thr557Asn)

Gene: ATP6V1A (ATPase H+ transporting V1 subunit A; plus strand). Cytogenetic location: 3q13.31.
Variant type: single nucleotide variant.
Coding change: c.1670C>A on transcript NM_001690.4 (MANE Select); coding-DNA position 1670, C replaced by A.
Protein change: p.Thr557Asn; replaces threonine 557 with asparagine.
Molecular consequence: missense variant.
Genome position (GRCh38, 1-based): chr3:113,805,434, C>A. VCF-style: chr3-113805434-C-A. GRCh37 (hg19) VCF-style: chr3-113524281-C-A.
Other names: short protein forms T557N.
Identifiers: ClinVar variation 2114625 (VCV002114625.4), dbSNP rs759837314, ClinGen allele CA2548136.